The following is an entry in ClinVar:

NM_153676.4(USH1C):c.496+6T>C

Gene: USH1C (USH1 protein network component harmonin; minus strand). Cytogenetic location: 11p15.1.
Variant type: single nucleotide variant.
Coding change: c.496+6T>C on transcript NM_153676.4 (MANE Select); 6 bases into the intron after coding-DNA position 496, T replaced by C.
Molecular consequence: intron variant.
Genome position (GRCh38, 1-based): chr11:17,527,217, A>G on the plus strand (T>C on the coding strand, the complement: USH1C is on the minus strand). VCF-style: chr11-17527217-A-G. GRCh37 (hg19) VCF-style: chr11-17548764-A-G.
Other names: c.496+6T>C (NM_001297764.2, NM_005709.4).
Identifiers: ClinVar variation 2198041 (VCV002198041.1), dbSNP rs1303183212, ClinGen allele CA597668933.
Genomic context (GRCh38, chr11:17,527,217, plus strand): 5'-CCCTGCTCCCCCGCCCTCCCTCCCTCCCACCGTCATGGAGTACTGCCCTGCTCTGGCCTC[A>G]CTCACGTCTCACTTTGATGGACACAGTTTTCTTGGTTCGAATGAGGTTGATGACCTCCTC-3'

ClinVar aggregate classification (germline): Uncertain significance (1 of 4 stars; one submission).

Allele frequency attached by ClinVar (database versions not stated): gnomAD exomes 0.00003.

Submission:

Labcorp Genetics (formerly Invitae), Labcorp
Classification: Uncertain significance. Last evaluated: 2021-03-31. Review status: criteria provided, single submitter. Criteria: Invitae Variant Classification Sherloc (09022015). Collection method: clinical testing. Allele origin: germline.
Comment: This sequence change falls in intron 5 of the USH1C gene. It does not directly change the encoded amino acid sequence of the USH1C protein, but it affects a nucleotide within the consensus splice site of the intron. This variant is not present in population databases (ExAC no frequency). This variant has not been reported in the literature in individuals with USH1C-related conditions. Nucleotide substitutions within the consensus splice site are a relatively common cause of aberrant splicing (PMID: 17576681, 9536098). Algorithms developed to predict the effect of sequence changes on RNA splicing suggest that this variant may disrupt the consensus splice site, but this prediction has not been confirmed by published transcriptional studies. In summary, the available evidence is currently insufficient to determine the role of this variant in disease. Therefore, it has been classified as a Variant of Uncertain Significance.

Literature cited by the submitters: PubMed 17576681; PubMed 9536098.